The following is an entry in ClinVar:

ClinVar aggregate classification (germline): Uncertain significance (1 of 4 stars; one submission).

Conditions:
Retinitis pigmentosa 12 (RP12). Also called: RP WITH OR WITHOUT PRESERVED PARAARTERIOLE RETINAL PIGMENT EPITHELIUM; RETINITIS PIGMENTOSA WITH OR WITHOUT PARAARTERIOLAR PRESERVATION OF RETINAL PIGMENT EPITHELIUM; RP WITH OR WITHOUT PPRPE. Identifiers: Orphanet 791, MedGen C1838647, MONDO:0010818, OMIM 600105.
Leber congenital amaurosis 8 (LCA8). Identifiers: Orphanet 65, MedGen C3151202, MONDO:0013453, OMIM 613835.

Allele frequency attached by ClinVar (database versions not stated): gnomAD exomes below 0.00001.
gnomAD v4.1: 1 of 1,613,972 alleles (0.000062%); highest among the groups gnomAD compares: Non-Finnish European, 0.000085%; no homozygotes.

Submission:

Labcorp Genetics (formerly Invitae), Labcorp
Classification: Uncertain significance for Leber congenital amaurosis 8; Retinitis pigmentosa 12. Last evaluated: 2023-07-20. Review status: criteria provided, single submitter. Criteria: Invitae Variant Classification Sherloc (09022015). Collection method: clinical testing. Allele origin: germline.
Comment: In summary, the available evidence is currently insufficient to determine the role of this variant in disease. Therefore, it has been classified as a Variant of Uncertain Significance. Algorithms developed to predict the effect of missense changes on protein structure and function output the following: SIFT: "Not Available"; PolyPhen-2: "Benign"; Align-GVGD: "Not Available". The alanine amino acid residue is found in multiple mammalian species, which suggests that this missense change does not adversely affect protein function. This variant has not been reported in the literature in individuals affected with CRB1-related conditions. This variant is not present in population databases (gnomAD no frequency). This sequence change replaces valine, which is neutral and non-polar, with alanine, which is neutral and non-polar, at codon 725 of the CRB1 protein (p.Val725Ala).

NM_201253.3(CRB1):c.2174T>C (p.Val725Ala)

Gene: CRB1 (crumbs cell polarity complex component 1; plus strand). Cytogenetic location: 1q31.3.
Variant type: single nucleotide variant.
Coding change: c.2174T>C on transcript NM_201253.3 (MANE Select); coding-DNA position 2174, T replaced by C.
Protein change: p.Val725Ala; replaces valine 725 with alanine.
Molecular consequence: missense variant. On other transcripts: non-coding transcript variant (2), intron variant (1).
Genome position (GRCh38, 1-based): chr1:197,427,499, T>C. VCF-style: chr1-197427499-T-C. GRCh37 (hg19) VCF-style: chr1-197396629-T-C.
Other names: c.1838T>C, p.Val613Ala (NM_001193640.2); c.1967T>C, p.Val656Ala (NM_001257965.2); c.2128+5543T>C (NM_001257966.2); short protein forms V613A, V656A, V725A.
Identifiers: ClinVar variation 2929812 (VCV002929812.3), dbSNP rs1664645800, ClinGen allele CA344036478.
Genomic context (GRCh38, chr1:197,427,499, plus strand): 5'-ATTTTGACATTGAAGAGTATGTGGCAGGCAGATTTGGCCAGGATGACTCCACTGGTTATG[T>C]CATCTTTACTCTTGATGAGAGCTATGGAGACACCATCAGCCTCTCCATGTTTGTCCGAAC-3'
Protein context (NP_957705.1, residues 715-735): RFGQDDSTGY[Val725Ala]IFTLDESYGD